The following is an entry in ClinVar:

ClinVar aggregate classification (germline): Conflicting classifications of pathogenicity. Review status: criteria provided, conflicting classifications (1 of 4 stars). 6 submissions from 5 submitters: Uncertain significance (3); Likely benign (3). Last evaluated 2025-10-20.

Conditions:
Cardiovascular phenotype. Identifiers: MedGen CN230736.
Familial thoracic aortic aneurysm and aortic dissection (TAAD). Also called: Thoracic aortic aneurysms and dissections. Identifiers: Orphanet 91387, MedGen C4707243, MONDO:0019625.
Aortic aneurysm, familial thoracic 4 (AAT4). Also called: AORTIC ANEURYSM/AORTIC DISSECTION AND PATENT DUCTUS ARTERIOSUS. Identifiers: MedGen C1851504, MONDO:0007568, OMIM 132900.

Allele frequency attached by ClinVar (database versions not stated): gnomAD exomes 0.00003 and 0.00008; ExAC 0.00011; ESP Exome Variant Server 0.00023; gnomAD 0.00024 and 0.00025; TOPMed 0.00028; 1000 Genomes Project 0.00060; 1000 Genomes Project 30x 0.00078.
gnomAD v4.1: 80 of 1,614,156 alleles (0.005%); highest among the groups gnomAD compares: African/African-American, 0.08%; no homozygotes.

Submissions (6):

Labcorp Genetics (formerly Invitae), Labcorp
Classification: Likely benign for Aortic aneurysm, familial thoracic 4. Last evaluated: 2025-10-20. Review status: criteria provided, single submitter. Criteria: Invitae Variant Classification Sherloc (09022015). Collection method: clinical testing. Allele origin: germline.

GeneDx
Classification: Uncertain significance. Last evaluated: 2025-09-25. Review status: criteria provided, single submitter. Criteria: GeneDx Variant Classification Process June 2021. Collection method: clinical testing. Allele origin: germline. Affected: yes.
Comment: Has not been previously published as pathogenic or benign to our knowledge; In silico analysis suggests that this missense variant does not alter protein structure/function

Ambry Genetics
Classification: Uncertain significance for Familial thoracic aortic aneurysm and aortic dissection. Last evaluated: 2025-08-05. Review status: criteria provided, single submitter. Criteria: Ambry Variant Classification Scheme 2023. Collection method: clinical testing. Allele origin: germline.
Comment: The p.R1798Q variant (also known as c.5393G>A), located in coding exon 37 of the MYH11 gene, results from a G to A substitution at nucleotide position 5393. The arginine at codon 1798 is replaced by glutamine, an amino acid with highly similar properties. This amino acid position is not well conserved in available vertebrate species. In addition, this alteration is predicted to be tolerated by in silico analysis. Based on the available evidence, the clinical significance of this variant remains unclear.

Women's Health and Genetics/Laboratory Corporation of America, LabCorp
Classification: Likely benign. Last evaluated: 2023-07-21. Review status: criteria provided, single submitter. Criteria: LabCorp Variant Classification Summary - May 2015. Collection method: clinical testing. Allele origin: germline.

Color Diagnostics, LLC DBA Color Health
Classification: Likely benign for Familial thoracic aortic aneurysm and aortic dissection. Last evaluated: 2020-11-04. Review status: criteria provided, single submitter. Criteria: ACMG Guidelines, 2015. Collection method: clinical testing. Allele origin: germline.

Ambry Genetics
Classification: Uncertain significance for Cardiovascular phenotype. Last evaluated: 2015-03-04. Review status: criteria provided, single submitter. Criteria: Ambry Autosomal Dominant and X-Linked criteria (10/2015). Collection method: clinical testing. Allele origin: germline. Observed: 1 variant allele.
Comment: The p.R1805Q variant (also known as c.5414G>A), located in coding exon 38 of the MYH11 gene, results from a G to A substitution at nucleotide position 5414. The arginine at codon 1805 is replaced by glutamine, an amino acid with some similar properties. This variant was previously reported in the SNPDatabase as rs148938946. Based on data from the 1000 Genomes Project, the A allele has an overall frequency of approximately 0.05% (1/2,098). The single occurrencewas in 0.57% (1/176) of West African Yoruba alleles. Based on data from the NHLBI Exome Sequencing Project (ESP), the A allele has an overall frequency of approximately 0.02% (3/12,994), having been observed in 0.05% (2/4,394) of African American alleles and 0.01% (1/8,600) of European American alleles. This amino acid position is not conserved in available vertebrate species. In addition, this alteration is predicted to be tolerated by in silico analysis.Since supporting evidence is limited at this time, the clinical significance of this variant remains unclear.

NM_002474.3(MYH11):c.5393G>A (p.Arg1798Gln)

Genes: NDE1 (nudE neurodevelopment protein 1; plus strand), MYH11 (myosin heavy chain 11; minus strand). Cytogenetic location: 16p13.11.
Variant type: single nucleotide variant.
Coding change: c.5393G>A on transcript NM_002474.3 (MANE Select); coding-DNA position 5393, G replaced by A.
Protein change: p.Arg1798Gln; replaces arginine 1798 with glutamine.
Molecular consequence: missense variant. On other transcripts: intron variant (2).
Genome position (GRCh38, 1-based): chr16:15,717,251, C>T on the plus strand (G>A on the coding strand, the complement: MYH11 is on the minus strand). VCF-style: chr16-15717251-C-T. GRCh37 (hg19) VCF-style: chr16-15811108-C-T.
Other names: p.R1798Q:CGG>CAG; c.5414G>A, p.Arg1805Gln (NM_001040113.2, NM_001040114.2); c.5393G>A, p.Arg1798Gln (NM_022844.3); c.948-6940C>T (NM_001143979.2, NM_017668.3); short protein forms R1798Q, R1805Q.
Identifiers: ClinVar variation 201116 (VCV000201116.21), dbSNP rs148938946, ClinGen allele CA306685.